The following is an entry in ClinVar:

NM_001184.4(ATR):c.3929C>A (p.Thr1310Asn)

Gene: ATR (ATR checkpoint kinase; minus strand). Cytogenetic location: 3q23.
Variant type: single nucleotide variant.
Coding change: c.3929C>A on transcript NM_001184.4 (MANE Select); coding-DNA position 3929, C replaced by A.
Protein change: p.Thr1310Asn; replaces threonine 1310 with asparagine.
Molecular consequence: missense variant.
Genome position (GRCh38, 1-based): chr3:142,535,096, G>T on the plus strand (C>A on the coding strand, the complement: ATR is on the minus strand). VCF-style: chr3-142535096-G-T. GRCh37 (hg19) VCF-style: chr3-142253938-G-T.
Other names: c.3737C>A, p.Thr1246Asn (NM_001354579.2); short protein forms T1246N, T1310N.
Identifiers: ClinVar variation 1736245 (VCV001736245.7), dbSNP rs756245840, ClinGen allele CA2649964.

ClinVar aggregate classification (germline): Uncertain significance. Review status: criteria provided, multiple submitters, no conflicts (2 of 4 stars). 2 submissions from 2 submitters: Uncertain significance (2). Last evaluated 2022-07-20.

Conditions:
Inborn genetic diseases. Identifiers: MedGen C0950123, MeSH D030342.

Allele frequency attached by ClinVar (database versions not stated): gnomAD exomes below 0.00001; ExAC 0.00002.
gnomAD v4.1: 6 of 1,611,884 alleles (0.00037%); highest among the groups gnomAD compares: Non-Finnish European, 0.00051%; no homozygotes.

Submissions (2):

Labcorp Genetics (formerly Invitae), Labcorp
Classification: Uncertain significance. Last evaluated: 2022-07-20. Review status: criteria provided, single submitter. Criteria: Invitae Variant Classification Sherloc (09022015). Collection method: clinical testing. Allele origin: germline.
Comment: This variant has not been reported in the literature in individuals affected with ATR-related conditions. This variant is present in population databases (rs756245840, gnomAD 0.003%). This sequence change replaces threonine, which is neutral and polar, with asparagine, which is neutral and polar, at codon 1310 of the ATR protein (p.Thr1310Asn). Algorithms developed to predict the effect of missense changes on protein structure and function are either unavailable or do not agree on the potential impact of this missense change (SIFT: "Tolerated"; PolyPhen-2: "Possibly Damaging"; Align-GVGD: "Class C0"). In summary, the available evidence is currently insufficient to determine the role of this variant in disease. Therefore, it has been classified as a Variant of Uncertain Significance.

Ambry Genetics
Classification: Uncertain significance for Inborn genetic diseases. Last evaluated: 2021-08-30. Review status: criteria provided, single submitter. Criteria: Ambry Variant Classification Scheme 2023. Collection method: clinical testing. Allele origin: germline.
Comment: The p.T1310N variant (also known as c.3929C>A), located in coding exon 21 of the ATR gene, results from a C to A substitution at nucleotide position 3929. The threonine at codon 1310 is replaced by asparagine, an amino acid with similar properties. This amino acid position is conserved. In addition, this alteration is predicted to be tolerated by in silico analysis. Since supporting evidence is limited at this time, the clinical significance of this alteration remains unclear.